The following is an entry in ClinVar:

NM_000424.4(KRT5):c.503A>G (p.Glu168Gly)

Gene: KRT5 (keratin 5; minus strand). Cytogenetic location: 12q13.13.
Variant type: single nucleotide variant.
Coding change: c.503A>G on transcript NM_000424.4 (MANE Select); coding-DNA position 503, A replaced by G.
Protein change: p.Glu168Gly; replaces glutamic acid 168 with glycine.
Molecular consequence: missense variant.
Genome position (GRCh38, 1-based): chr12:52,519,794, T>C on the plus strand (A>G on the coding strand, the complement: KRT5 is on the minus strand). VCF-style: chr12-52519794-T-C. GRCh37 (hg19) VCF-style: chr12-52913578-T-C.
Other names: short protein forms E168G.
Identifiers: ClinVar variation 4538576 (VCV004538576.1).

ClinVar aggregate classification (germline): Pathogenic (1 of 4 stars; one submission).

Submission:

GeneDx
Classification: Pathogenic. Last evaluated: 2025-06-19. Review status: criteria provided, single submitter. Criteria: GeneDx Variant Classification Process June 2021. Collection method: clinical testing. Allele origin: germline. Affected: yes.
Comment: Located in the highly conserved head domain, which is intolerant to change; variants in this motif interfere with proper keratin intermediate filament assembly and function, resulting in skin fragility and/or hyperkeratosis (PMID: 21176769); Not observed at significant frequency in large population cohorts (gnomAD); In silico analysis supports that this missense variant has a deleterious effect on protein structure/function; This variant is associated with the following publications: (PMID: 32484238, 36287101, 26743602, 21176769, 27882080, 28561874, 23450297, 16786515)